The following is an entry in ClinVar:

NM_017654.4(SAMD9):c.3218A>G (p.Glu1073Gly)

Gene: SAMD9 (sterile alpha motif domain containing 9; minus strand). Cytogenetic location: 7q21.2.
Variant type: single nucleotide variant.
Coding change: c.3218A>G on transcript NM_017654.4 (MANE Select); coding-DNA position 3218, A replaced by G.
Protein change: p.Glu1073Gly; replaces glutamic acid 1073 with glycine.
Molecular consequence: missense variant.
Genome position (GRCh38, 1-based): chr7:93,102,880, T>C on the plus strand (A>G on the coding strand, the complement: SAMD9 is on the minus strand). VCF-style: chr7-93102880-T-C. GRCh37 (hg19) VCF-style: chr7-92732193-T-C.
Other names: c.3218A>G, p.Glu1073Gly (NM_001193307.2); short protein forms E1073G.
Identifiers: ClinVar variation 4629981 (VCV004629981.1).
Genomic context (GRCh38, chr7:93,102,880, plus strand): 5'-TAGAAATGTCTTGCCAACGCTTGGCAAATGAATGCATTTGGGTTGAACCGATGGATACTT[T>C]CAAGCAATACAGCTTCAACTGCTTCATTTCCTTCATCTTTATGTAATGCTTCAATAAATG-3'
Protein context (NP_060124.2, residues 1063-1083): GNEAVEAVLL[Glu1073Gly]SIHRFNPNAF

ClinVar aggregate classification (germline): Uncertain significance (1 of 4 stars; one submission).

Conditions:
Inborn genetic diseases. Identifiers: MedGen C0950123, MeSH D030342.

Submission:

Ambry Genetics
Classification: Uncertain significance for Inborn genetic diseases. Last evaluated: 2025-12-07. Review status: criteria provided, single submitter. Criteria: Ambry Variant Classification Scheme 2023. Collection method: clinical testing. Allele origin: germline.
Comment: The p.E1073G variant (also known as c.3218A>G), located in coding exon 1 of the SAMD9 gene, results from an A to G substitution at nucleotide position 3218. The glutamic acid at codon 1073 is replaced by glycine, an amino acid with similar properties. This amino acid position is conserved. In addition, this alteration is predicted to be tolerated by in silico analysis. Based on the available evidence, the clinical significance of this variant remains unclear.